The following is an entry in ClinVar:

NM_002435.3(MPI):c.593dup (p.Ser199fs)

Gene: MPI (mannose phosphate isomerase; plus strand). Cytogenetic location: 15q24.1.
Variant type: Duplication.
Coding change: c.593dup on transcript NM_002435.3 (MANE Select); coding-DNA position 593, one base duplicated (T; older notation c.593dupT).
Protein change: p.Ser199fs; shifts the reading frame from serine 199.
Molecular consequence: frameshift variant. On other transcripts: intron variant (1).
Genome position (GRCh38, 1-based): chr15:74,893,243, T duplicated; the last of 3 consecutive T bases (chr15:74,893,241-74,893,243); duplicating any one gives the same sequence. VCF-style (leftmost placement, unchanged base first): chr15-74893240-G-GT. GRCh37 (hg19) VCF-style: chr15-75185581-G-GT.
Other names: c.593dup, p.Ser199fs (NM_001289155.2); c.443dup, p.Ser149fs (NM_001289156.2); c.533dup, p.Ser179fs (NM_001330372.2); c.487+441dup (NM_001289157.2); short protein forms S199fs, S149fs, S179fs.
Identifiers: ClinVar variation 2860517 (VCV002860517.3), dbSNP rs2505817125, ClinGen allele CA2739269588.

ClinVar aggregate classification (germline): Pathogenic (1 of 4 stars; one submission).

Conditions:
MPI-congenital disorder of glycosylation. Also called: PROTEIN-LOSING ENTEROPATHY-HEPATIC FIBROSIS SYNDROME; MPI-CDG; MPI DEFICIENCY; MANNOSEPHOSPHATE ISOMERASE DEFICIENCY; CONGENITAL DISORDER OF GLYCOSYLATION, TYPE Ib; CDG Ib. Identifiers: Orphanet 79319, MedGen C1865145, MONDO:0011257, OMIM 602579.

Submission:

Labcorp Genetics (formerly Invitae), Labcorp
Classification: Pathogenic for MPI-congenital disorder of glycosylation. Last evaluated: 2023-09-06. Review status: criteria provided, single submitter. Criteria: Invitae Variant Classification Sherloc (09022015). Collection method: clinical testing. Allele origin: germline.
Comment: For these reasons, this variant has been classified as Pathogenic. This variant has not been reported in the literature in individuals affected with MPI-related conditions. This variant is not present in population databases (gnomAD no frequency). This sequence change creates a premature translational stop signal (p.Ser199Leufs*7) in the MPI gene. It is expected to result in an absent or disrupted protein product. Loss-of-function variants in MPI are known to be pathogenic (PMID: 19862844).

Literature cited by the submitters: PubMed 19862844.